The following is an entry in ClinVar:

NM_000070.3(CAPN3):c.377T>C (p.Leu126Pro)

Gene: CAPN3 (calpain 3; plus strand). Cytogenetic location: 15q15.1.
Variant type: single nucleotide variant.
Coding change: c.377T>C on transcript NM_000070.3 (MANE Select); coding-DNA position 377, T replaced by C.
Protein change: p.Leu126Pro; replaces leucine 126 with proline.
Molecular consequence: missense variant.
Genome position (GRCh38, 1-based): chr15:42,384,550, T>C. VCF-style: chr15-42384550-T-C. GRCh37 (hg19) VCF-style: chr15-42676748-T-C.
Other names: c.377T>C (NM_000070.2); c.377T>C, p.Leu126Pro (NM_024344.2, NM_173087.2); short protein forms L126P.
Identifiers: ClinVar variation 3373768 (VCV003373768.5).

ClinVar aggregate classification (germline): Conflicting classifications of pathogenicity. Review status: criteria provided, conflicting classifications (1 of 4 stars). 3 submissions from 3 submitters: Likely pathogenic (1); Uncertain significance (2). Last evaluated 2025-03-11.

Conditions:
Autosomal recessive limb-girdle muscular dystrophy type 2A (LGMDR1). Also called: LEYDEN-MOEBIUS MUSCULAR DYSTROPHY; MUSCULAR DYSTROPHY, PELVOFEMORAL; Limb-girdle muscular dystrophy, type 2A; Calpainopathy; Muscular dystrophy, limb-girdle, type 2A, Amish. Identifiers: Orphanet 267, MedGen C1869123, MONDO:0009675, OMIM 253600. Disease mechanism: loss of function.

Submissions (3):

Athena Diagnostics
Classification: Uncertain significance. Last evaluated: 2025-03-11. Review status: criteria provided, single submitter. Criteria: Athena Diagnostics Criteria. Collection method: clinical testing. Allele origin: unknown.
Comment: Available data are insufficient to determine the clinical significance of the variant at this time. This variant has not been reported in large, multi-ethnic general populations. Polyphen and MutationTaster predict this amino acid change may be damaging to the protein.

Medical Molecular Genetics Department, National Research Center
Classification: Likely pathogenic for Autosomal recessive limb-girdle muscular dystrophy type 2A. Last evaluated: 2024-06-11. Review status: criteria provided, single submitter. Criteria: ACMG Guidelines, 2015. Collection method: clinical testing. Allele origin: germline. Affected: yes.
Comment: By applying ACMG guidelines: According to insilico studies, the variant is classified as deleterious (PP3),our study patient’s clinical phenotype is typically correlated to the disease (PP4), it showed an extremely low frequency in gnomAD population databases (PS4) additionally, by segregation analysis: the affected proband sibling showed the same variant at the homozygous form the healthy sibling showed the wild genotype for both alleles and parents showed the heterozygous status (PP1). according to this data it is considered as likely pathogenic by ACMG guidlines.

Labcorp Genetics (formerly Invitae), Labcorp
Classification: Uncertain significance for Autosomal recessive limb-girdle muscular dystrophy type 2A. Last evaluated: 2024-05-02. Review status: criteria provided, single submitter. Criteria: Invitae Variant Classification Sherloc (09022015). Collection method: clinical testing. Allele origin: germline.
Comment: This sequence change replaces leucine, which is neutral and non-polar, with proline, which is neutral and non-polar, at codon 126 of the CAPN3 protein (p.Leu126Pro). This variant is not present in population databases (gnomAD no frequency). This missense change has been observed in individual(s) with limb-girdle weakness (PMID: 32528171). An algorithm developed to predict the effect of missense changes on protein structure and function (PolyPhen-2) suggests that this variant is likely to be disruptive. In summary, the available evidence is currently insufficient to determine the role of this variant in disease. Therefore, it has been classified as a Variant of Uncertain Significance.

Literature cited by the submitters: PubMed 32528171 (cited by Athena Diagnostics and Labcorp Genetics (formerly Invitae), Labcorp).